The following is an entry in ClinVar:

ClinVar aggregate classification (germline): Benign. Review status: criteria provided, multiple submitters, no conflicts (2 of 4 stars). 2 submissions from 2 submitters: Benign (2). Last evaluated 2018-06-16.

Allele frequency attached by ClinVar (database versions not stated): gnomAD 0.04210 and 0.04526; 1000 Genomes Project 0.04253; 1000 Genomes Project 30x 0.04716; TOPMed 0.04863.
gnomAD v4.1: 11,569 of 1,334,298 alleles (0.87%); highest among the groups gnomAD compares: African/African-American, 15%; 783 homozygotes.

Submissions (2):

GeneDx
Classification: Benign. Last evaluated: 2018-06-16. Review status: criteria provided, single submitter. Criteria: GeneDx Variant Classification (06012015). Collection method: clinical testing. Allele origin: germline. Affected: yes.
Comment: This variant is considered likely benign or benign based on one or more of the following criteria: it is a conservative change, it occurs at a poorly conserved position in the protein, it is predicted to be benign by multiple in silico algorithms, and/or has population frequency not consistent with disease.

Breakthrough Genomics
Classification: Benign. Review status: criteria provided, single submitter. Criteria: ACMG Guidelines, 2015. Collection method: not provided. Allele origin: germline. Inheritance: Autosomal recessive inheritance. Affected: yes.

NM_001184.4(ATR):c.5196+109G>A

Gene: ATR (ATR checkpoint kinase; minus strand). Cytogenetic location: 3q23.
Variant type: single nucleotide variant.
Coding change: c.5196+109G>A on transcript NM_001184.4 (MANE Select); 109 bases into the intron after coding-DNA position 5196, G replaced by A.
Molecular consequence: intron variant.
Genome position (GRCh38, 1-based): chr3:142,505,030, C>T on the plus strand (G>A on the coding strand, the complement: ATR is on the minus strand). VCF-style: chr3-142505030-C-T. GRCh37 (hg19) VCF-style: chr3-142223872-C-T.
Other names: c.5004+109G>A (NM_001354579.2).
Identifiers: ClinVar variation 676998 (VCV000676998.2), dbSNP rs148397694, ClinGen allele CA16160035.